The following is an entry in ClinVar:

ClinVar aggregate classification (germline): Benign/Likely benign. Review status: criteria provided, multiple submitters, no conflicts (2 of 4 stars). 11 submissions from 11 submitters: Benign (7); Likely benign (2). 2 of the submissions do not count toward it. Last evaluated 2026-10-01.

Conditions:
Spastic paraplegia. Identifiers: MedGen C0037772, HP:0001258.
Hereditary spastic paraplegia. Also called: Familial spastic paraparesis. Identifiers: Orphanet 685, MedGen C0037773, MONDO:0019064. Disease mechanism: loss of function.
Hereditary spastic paraplegia 15 (SPG15). Also called: KJELLIN SYNDROME; SPASTIC PARAPLEGIA AND RETINAL DEGENERATION; SPASTIC PARAPLEGIA 15, AUTOSOMAL RECESSIVE. Identifiers: Orphanet 100996, MedGen C1849128, MONDO:0010044, OMIM 270700.

Allele frequency attached by ClinVar (database versions not stated): 1000 Genomes Project 0.00339; 1000 Genomes Project 30x 0.00375; TOPMed 0.00786; gnomAD 0.00787 and 0.00826; ExAC 0.00808; gnomAD exomes 0.00834 and 0.01156; ESP Exome Variant Server 0.01061.
gnomAD v4.1: 18,072 of 1,614,134 alleles (1.1%); highest among the groups gnomAD compares: Non-Finnish European, 1.3%; 154 homozygotes.

Submissions (11):

CeGaT Center for Human Genetics Tuebingen
Classification: Benign. Last evaluated: 2026-10-01. Review status: criteria provided, single submitter. Criteria: CeGaT Center For Human Genetics Tuebingen Variant Classification Criteria Version 2. Collection method: clinical testing. Allele origin: germline. Affected: yes. Observed: 68 variant alleles.
Comment: ZFYVE26: BP4, BS1, BS2

Labcorp Genetics (formerly Invitae), Labcorp
Classification: Benign for Spastic paraplegia. Last evaluated: 2026-02-03. Review status: criteria provided, single submitter. Criteria: Invitae Variant Classification Sherloc (09022015). Collection method: clinical testing. Allele origin: germline.

Genome-Nilou Lab
Classification: Benign for Hereditary spastic paraplegia 15. Last evaluated: 2021-12-05. Review status: criteria provided, single submitter. Criteria: ACMG Guidelines, 2015. Collection method: clinical testing. Allele origin: germline. Affected: no.

Genome Diagnostics Laboratory, The Hospital for Sick Children
Classification: Benign for Hereditary spastic paraplegia. Last evaluated: 2021-08-17. Review status: criteria provided, single submitter. Criteria: ACMG Guidelines, 2015. Collection method: clinical testing. Allele origin: germline. Affected: yes.

Athena Diagnostics
Classification: Benign. Last evaluated: 2018-01-16. Review status: criteria provided, single submitter. Criteria: Athena Diagnostics Criteria. Collection method: clinical testing. Allele origin: germline.

Illumina Laboratory Services, Illumina
Classification: Likely benign for Hereditary spastic paraplegia 15. Last evaluated: 2018-01-13. Review status: criteria provided, single submitter. Criteria: ICSL Variant Classification Criteria 13 December 2019. Collection method: clinical testing. Allele origin: germline.
Comment: This variant was observed in the ICSL laboratory as part of a predisposition screen in an ostensibly healthy population. It had not been previously curated by ICSL or reported in the Human Gene Mutation Database (HGMD: prior to June 1st, 2018), and was therefore a candidate for classification through an automated scoring system. Utilizing variant allele frequency, disease prevalence and penetrance estimates, and inheritance mode, an automated score was calculated to assess if this variant is too frequent to cause the disease. Based on the score and internal cut-off values, a variant classified as likely benign is not then subjected to further curation. The score for this variant resulted in a classification of likely benign for this disease.

GeneDx
Classification: Benign. Last evaluated: 2016-10-27. Review status: criteria provided, single submitter. Criteria: GeneDx Variant Classification (06012015). Collection method: clinical testing. Allele origin: germline. Affected: yes.
Comment: This variant is considered likely benign or benign based on one or more of the following criteria: it is a conservative change, it occurs at a poorly conserved position in the protein, it is predicted to be benign by multiple in silico algorithms, and/or has population frequency not consistent with disease.

Mayo Clinic Laboratories, Mayo Clinic
Classification: Benign. Last evaluated: 2016-05-23. Review status: criteria provided, single submitter. Criteria: ACMG Guidelines, 2015. Collection method: clinical testing. Allele origin: germline. Observed: 41 variant alleles.

Breakthrough Genomics
Classification: Likely benign. Review status: criteria provided, single submitter. Criteria: ACMG Guidelines, 2015. Collection method: not provided. Allele origin: germline. Inheritance: Autosomal recessive inheritance. Affected: yes.

Genome Diagnostics Laboratory, University Medical Center Utrecht
Classification: Benign. Review status: no assertion criteria provided. Collection method: clinical testing. Allele origin: germline. Affected: yes. Study: VKGL Data-share Consensus. Not counted in ClinVar's aggregate classification.

Joint Genome Diagnostic Labs from Nijmegen and Maastricht, Radboudumc and MUMC+
Classification: Benign. Review status: no assertion criteria provided. Collection method: clinical testing. Allele origin: germline. Affected: yes. Study: VKGL Data-share Consensus. Not counted in ClinVar's aggregate classification.

Literature cited by the submitters: PubMed 19917823 (cited by Athena Diagnostics).

NM_015346.4(ZFYVE26):c.2826G>A (p.Met942Ile)

Gene: ZFYVE26 (zinc finger FYVE-type containing 26; minus strand). Cytogenetic location: 14q24.1.
Variant type: single nucleotide variant.
Coding change: c.2826G>A on transcript NM_015346.4 (MANE Select); coding-DNA position 2826, G replaced by A.
Protein change: p.Met942Ile; replaces methionine 942 with isoleucine.
Molecular consequence: missense variant.
Genome position (GRCh38, 1-based): chr14:67,789,528, C>T on the plus strand (G>A on the coding strand, the complement: ZFYVE26 is on the minus strand). VCF-style: chr14-67789528-C-T. GRCh37 (hg19) VCF-style: chr14-68256245-C-T.
Other names: p.Met942Ile; short protein forms M942I.
Identifiers: ClinVar variation 220334 (VCV000220334.53), dbSNP rs117367857, ClinGen allele CA350830.